The following is an entry in ClinVar:

ClinVar aggregate classification (germline): Benign (1 of 4 stars; one submission).

Submission:

GeneDx
Classification: Benign. Last evaluated: 2021-02-24. Review status: criteria provided, single submitter. Criteria: GeneDx Variant Classification Process June 2021. Collection method: clinical testing. Allele origin: germline. Affected: yes.
Comment: This variant is associated with the following publications: (PMID: 26503572)

NM_002125.4(HLA-DRB5):c.196G>A (p.Asp66Asn)

Gene: HLA-DRB5 (major histocompatibility complex, class II, DR beta 5; minus strand). Cytogenetic location: 6p21.32.
Variant type: single nucleotide variant.
Coding change: c.196G>A on transcript NM_002125.4 (MANE Select); coding-DNA position 196, G replaced by A.
Protein change: p.Asp66Asn; replaces aspartic acid 66 with asparagine.
Molecular consequence: missense variant.
Genome position (GRCh38, 1-based): chr6:32,522,079, C>T on the plus strand (G>A on the coding strand, the complement: HLA-DRB5 is on the minus strand). VCF-style: chr6-32522079-C-T. GRCh37 (hg19) VCF-style: chr6-32489856-C-T.
Other names: short protein forms D66N.
Identifiers: ClinVar variation 1294564 (VCV001294564.2), dbSNP rs707956, ClinGen allele CA3742323.
Genomic context (GRCh38, chr6:32,522,079, plus strand): 5'-CAGGCCGCCCCAGCTCCGTCACCGCCCGGTACTCCCCCACGTCGCTGTCGAAGCGCAAGT[C>T]CTCCTCTTGGTTATAGATGTCTCTGTGCAGGAACCGCACCCGCTCCGTCCCGTTGAAGAA-3'
Protein context (NP_002116.2, residues 56-76): LHRDIYNQEE[Asp66Asn]LRFDSDVGEY